The following is an entry in ClinVar:

NM_003896.4(ST3GAL5):c.817T>C (p.Trp273Arg)

Gene: ST3GAL5 (ST3 beta-galactoside alpha-2,3-sialyltransferase 5; minus strand). Cytogenetic location: 2p11.2.
Variant type: single nucleotide variant.
Coding change: c.817T>C on transcript NM_003896.4 (MANE Select); coding-DNA position 817, T replaced by C.
Protein change: p.Trp273Arg; replaces tryptophan 273 with arginine.
Molecular consequence: missense variant.
Genome position (GRCh38, 1-based): chr2:85,846,409, A>G on the plus strand (T>C on the coding strand, the complement: ST3GAL5 is on the minus strand). VCF-style: chr2-85846409-A-G. GRCh37 (hg19) VCF-style: chr2-86073532-A-G.
Other names: c.748T>C, p.Trp250Arg (NM_001042437.2); c.433T>C, p.Trp145Arg (NM_001354223.2, NM_001354224.2, NM_001354226.2 and 3 more transcripts); c.733T>C, p.Trp245Arg (NM_001354227.2, NM_001354229.2, NM_001354238.1); c.94T>C, p.Trp32Arg (NM_001354247.1); c.817T>C, p.Trp273Arg (NM_001363847.1); short protein forms W145R, W250R, W32R, W245R, W273R.
Identifiers: ClinVar variation 5003049 (VCV005003049.1).
Genomic context (GRCh38, chr2:85,846,409, plus strand): 5'-CAGATTTAATAGAAGTATTAGTGCTTACCAGGGTTTCCTTTTTTACCATTGCTTGAAGCC[A>G]GTTGAAATCAACACTCTTAAATAAAACAGCAACAAATAAGTCATTGGAATAATATTCAAG-3'
Protein context (NP_003887.3, residues 263-283): AVLFKSVDFN[Trp273Arg]LQAMVKKETL

ClinVar aggregate classification (germline): Uncertain significance (1 of 4 stars; one submission).

Conditions:
GM3 synthase deficiency (SPDRS). Also called: SALT AND PEPPER DEVELOPMENTAL REGRESSION SYNDROME; SALT AND PEPPER MENTAL RETARDATION SYNDROME; AMISH INFANTILE EPILEPSY SYNDROME. Identifiers: Orphanet 171714, Orphanet 370933, MedGen C1836824, MONDO:0018274, OMIM 609056.

Submission:

OLLIN Analises Genomicas, OLLIN
Classification: Uncertain significance for GM3 synthase deficiency. Last evaluated: 2026-08-06. Review status: criteria provided, single submitter. Criteria: ACMG Guidelines 2015 PMID 25741868. Collection method: clinical testing. Allele origin: germline. Inheritance: Autosomal recessive inheritance.
Comment: This missense variant, located in exon 5 (of 7), is absent from gnomAD and ClinVar and has not been identified in the literature. In silico analysis predicts that this variant has a deleterious effect. According to the currently available evidence, this variant has been classified as uncertain significance (PM2_P, PP3_M).